The following is an entry in ClinVar:

NM_000478.6(ALPL):c.151G>T (p.Ala51Ser)

Gene: ALPL (alkaline phosphatase, biomineralization associated; plus strand). Cytogenetic location: 1p36.12.
Variant type: single nucleotide variant.
Coding change: c.151G>T on transcript NM_000478.6 (MANE Select); coding-DNA position 151, G replaced by T.
Protein change: p.Ala51Ser; replaces alanine 51 with serine.
Molecular consequence: missense variant. On other transcripts: 5 prime UTR variant (1).
Genome position (GRCh38, 1-based): chr1:21,560,715, G>T. VCF-style: chr1-21560715-G-T. GRCh37 (hg19) VCF-style: chr1-21887208-G-T.
Other names: c.-15G>T (NM_001127501.4); c.36G>T, p.Trp12Cys (NM_001177520.3); c.151G>T, p.Ala51Ser (NM_001369803.2, NM_001369804.2, NM_001369805.2); short protein forms A51S, W12C.
Identifiers: ClinVar variation 4086866 (VCV004086866.2).

ClinVar aggregate classification (germline): Conflicting classifications of pathogenicity. Review status: criteria provided, conflicting classifications (1 of 4 stars). 2 submissions from 2 submitters: Likely pathogenic (1); Uncertain significance (1). Last evaluated 2026-01-29.

Conditions:
Hypophosphatasia. Also called: Phosphoethanol-aminuria. Identifiers: Orphanet 436, MedGen C0020630, MeSH D007014, MONDO:0018570.

Submissions (2):

Women's Health and Genetics/Laboratory Corporation of America, LabCorp
Classification: Uncertain significance. Last evaluated: 2026-01-29. Review status: criteria provided, single submitter. Criteria: LabCorp Variant Classification Summary - May 2015. Collection method: clinical testing. Allele origin: germline.
Comment: Variant summary: ALPL c.151G>T (p.Ala51Ser) results in a conservative amino acid change in the encoded protein sequence. Algorithms developed to predict the effect of missense changes on protein structure and function are either unavailable or do not agree on the potential impact of this missense change. The variant was absent in 251404 control chromosomes. The available data on variant occurrences in the general population are insufficient to allow any conclusion about variant significance. c.151G>T has been observed in an individual affected with Hypophosphatasia (Mumm_2002). These data do not allow any conclusion about variant significance. A different variant affecting the same codon has been classified as likely pathogenic/pathogenic by our lab (c.152C>T, p.Ala51Val), supporting the critical relevance of codon 51 to ALPL protein function. To our knowledge, no experimental evidence demonstrating an impact on protein function has been reported. The following publications have been ascertained in the context of this evaluation (PMID: 11855933, 25731960, 19335222). ClinVar contains an entry for this variant (Variation ID: 4086866). Based on the evidence outlined above, the variant was classified as VUS-possibly pathogenic.

Genomenon, Inc
Classification: Likely pathogenic for Hypophosphatasia. Last evaluated: 2025-08-29. Review status: criteria provided, single submitter. Criteria: Genomenon Sequence Variant Interpretation Standards. Collection method: curation. Allele origin: germline. Affected: yes.
Comment: ALPL c.151G>T is a missense variant that changes the amino acid at residue 51 from Alanine to Serine. This variant has been observed in at least one proband affected with hypophosphatasia (PMID:11855933). This variant is also reported as Ala34Ser in the literature. It is absent or not present at a significant frequency in gnomAD. The presence of pathogenic missense variant(s) at the same amino acid position indicates that this residue is likely important for protein function. In conclusion, we classify ALPL p.Ala51Ser (c.151G>T) as a likely pathogenic variant.

Literature cited by the submitters: PubMed 25731960 (cited by Women's Health and Genetics/Laboratory Corporation of America, LabCorp); PubMed 11855933 (cited by Women's Health and Genetics/Laboratory Corporation of America, LabCorp and Genomenon, Inc); PubMed 19335222 (cited by Women's Health and Genetics/Laboratory Corporation of America, LabCorp).